The following is an entry in ClinVar:

NM_007289.4(MME):c.139G>A (p.Ala47Thr)

Gene: MME (membrane metalloendopeptidase; plus strand). Cytogenetic location: 3q25.2.
Variant type: single nucleotide variant.
Coding change: c.139G>A on transcript NM_007289.4 (MANE Select); coding-DNA position 139, G replaced by A.
Protein change: p.Ala47Thr; replaces alanine 47 with threonine.
Molecular consequence: missense variant.
Genome position (GRCh38, 1-based): chr3:155,084,306, G>A. VCF-style: chr3-155084306-G-A. GRCh37 (hg19) VCF-style: chr3-154802095-G-A.
Other names: c.139G>A, p.Ala47Thr (NM_000902.5, NM_001354642.2, NM_001354643.1 and 3 more transcripts); short protein forms A47T.
Identifiers: ClinVar variation 1509433 (VCV001509433.6), dbSNP rs139929993, ClinGen allele CA2675017.

ClinVar aggregate classification (germline): Uncertain significance. Review status: criteria provided, multiple submitters, no conflicts (2 of 4 stars). 3 submissions from 3 submitters: Uncertain significance (3). Last evaluated 2025-02-23.

Conditions:
Charcot-Marie-Tooth disease axonal type 2T. Identifiers: Orphanet 443950, MedGen C4015635, OMIM 617017, MONDO:0014866.
Spinocerebellar ataxia 43 (SCA43). Identifiers: Orphanet 497764, MedGen C4310763, MONDO:0014867, OMIM 617018.

Allele frequency attached by ClinVar (database versions not stated): gnomAD 0.00009; 1000 Genomes Project 0.00020; gnomAD exomes 0.00004 and 0.00003; 1000 Genomes Project 30x 0.00016; ESP Exome Variant Server 0.00015; ExAC 0.00004; TOPMed 0.00008.
gnomAD v4.1: 56 of 1,614,102 alleles (0.0035%); highest among the groups gnomAD compares: African/African-American, 0.021%; no homozygotes.

Submissions (3):

Labcorp Genetics (formerly Invitae), Labcorp
Classification: Uncertain significance. Last evaluated: 2025-02-23. Review status: criteria provided, single submitter. Criteria: Invitae Variant Classification Sherloc (09022015). Collection method: clinical testing. Allele origin: germline.
Comment: This sequence change replaces alanine, which is neutral and non-polar, with threonine, which is neutral and polar, at codon 47 of the MME protein (p.Ala47Thr). This variant is present in population databases (rs139929993, gnomAD 0.03%). This variant has not been reported in the literature in individuals affected with MME-related conditions. ClinVar contains an entry for this variant (Variation ID: 1509433). An algorithm developed to predict the effect of missense changes on protein structure and function (PolyPhen-2) suggests that this variant is likely to be tolerated. In summary, the available evidence is currently insufficient to determine the role of this variant in disease. Therefore, it has been classified as a Variant of Uncertain Significance.

GeneDx
Classification: Uncertain significance. Last evaluated: 2022-06-06. Review status: criteria provided, single submitter. Criteria: GeneDx Variant Classification Process June 2021. Collection method: clinical testing. Allele origin: germline. Affected: yes.
Comment: In silico analysis supports that this missense variant does not alter protein structure/function; Has not been previously published as pathogenic or benign to our knowledge

Department of Pathology and Laboratory Medicine, Sinai Health System
Classification: Uncertain significance for Charcot-Marie-Tooth disease axonal type 2T; Spinocerebellar ataxia 43. Last evaluated: 2021-11-10. Review status: criteria provided, single submitter. Criteria: ACMG Guidelines, 2015. Collection method: research. Allele origin: germline.